The following is an entry in ClinVar:

ClinVar aggregate classification (germline): Likely pathogenic (1 of 4 stars; one submission).

Submission:

Labcorp Genetics (formerly Invitae), Labcorp
Classification: Likely pathogenic. Last evaluated: 2022-06-04. Review status: criteria provided, single submitter. Criteria: Invitae Variant Classification Sherloc (09022015). Collection method: clinical testing. Allele origin: germline.
Comment: This variant results in a copy number gain of the genomic region encompassing exon(s) 20-22 of the ABCA4 gene. While the exact position of this variant cannot be determined from the data, sub-genic copy number gains are generally in tandem (PMID: 25640679). This variant is predicted to be out-of-frame, and may result in an absent or disrupted protein product. Loss-of-function variants in ABCA4 are known to be pathogenic (PMID: 10958761, 24938718, 25312043, 26780318). This variant has not been reported in the literature in individuals affected with ABCA4-related conditions. In summary, the currently available evidence indicates that the variant is pathogenic, but additional data are needed to prove that conclusively. Therefore, this variant has been classified as Likely Pathogenic.

Literature cited by the submitters: PubMed 25640679; PubMed 10958761; PubMed 24938718; PubMed 25312043; PubMed 26780318.

NC_000001.10:g.(?_94508297)_(94511126_?)dup

Gene: ABCA4 (ATP binding cassette subfamily A member 4; minus strand). Cytogenetic location: 1p22.1.
Variant type: Duplication.
Identifiers: ClinVar variation 2422950 (VCV002422950.4).